The following is an entry in ClinVar:

ClinVar aggregate classification (germline): Uncertain significance (1 of 4 stars; one submission).

Conditions:
Hereditary cancer-predisposing syndrome. Also called: Tumor predisposition; Hereditary neoplastic syndrome; Hereditary Cancer Syndrome; Neoplastic Syndromes, Hereditary. Identifiers: Orphanet 140162, MedGen C0027672, MeSH D009386, MONDO:0015356.

Submission:

Ambry Genetics
Classification: Uncertain significance for Hereditary cancer-predisposing syndrome. Last evaluated: 2025-05-24. Review status: criteria provided, single submitter. Criteria: Ambry Variant Classification Scheme 2023. Collection method: clinical testing. Allele origin: germline.
Comment: The p.G22R variant (also known as c.64G>C), located in coding exon 1 of the PTCH1 gene, results from a G to C substitution at nucleotide position 64. The glycine at codon 22 is replaced by arginine, an amino acid with dissimilar properties. This amino acid position is conserved. In addition, this alteration is predicted to be tolerated by in silico analysis. Based on the available evidence, the clinical significance of this variant remains unclear.

NM_000264.5(PTCH1):c.64G>C (p.Gly22Arg)

Genes: PTCH1 (patched 1; minus strand), LOC130002133 (ATAC-STARR-seq lymphoblastoid silent region 20071; plus strand). Cytogenetic location: 9q22.32.
Variant type: single nucleotide variant.
Coding change: c.64G>C on transcript NM_000264.5 (MANE Select); coding-DNA position 64, G replaced by C.
Protein change: p.Gly22Arg; replaces glycine 22 with arginine.
Molecular consequence: missense variant. On other transcripts: non-coding transcript variant (1), intron variant (3).
Genome position (GRCh38, 1-based): chr9:95,508,298, C>G on the plus strand (G>C on the coding strand, the complement: PTCH1 is on the minus strand). VCF-style: chr9-95508298-C-G. GRCh37 (hg19) VCF-style: chr9-98270580-C-G.
Other names: c.64G>C, p.Gly22Arg (NM_001354918.2); c.199-1699G>C (NM_001083603.3); c.4-1699G>C (NM_001083602.3, NM_001354919.2); short protein forms G22R.
Identifiers: ClinVar variation 3939981 (VCV003939981.1).